The following is an entry in ClinVar:

NM_000492.4(CFTR):c.1393-1G>A

Genes: CFTR (CF transmembrane conductance regulator; plus strand), CFTR-AS1 (CFTR antisense RNA 1; minus strand). Cytogenetic location: 7q31.2.
Variant type: single nucleotide variant.
Coding change: c.1393-1G>A on transcript NM_000492.4 (MANE Select); the canonical splice acceptor site of the intron before coding-DNA position 1393, G replaced by A.
Molecular consequence: splice acceptor variant.
Genome position (GRCh38, 1-based): chr7:117,559,463, G>A. VCF-style: chr7-117559463-G-A. GRCh37 (hg19) VCF-style: chr7-117199517-G-A.
Other names: 1525-1G->A.
Identifiers: ClinVar variation 53242 (VCV000053242.56), dbSNP rs397508200, ClinGen allele CA345305.

ClinVar aggregate classification (germline): Pathogenic. Review status: reviewed by expert panel (3 of 4 stars). 20 submissions from 19 submitters: Pathogenic (1). 19 of the submissions do not count toward it. Last evaluated 2017-03-17.

Conditions:
CFTR-related disorder (CFTR-RD). Also called: CFTR-related condition; CFTR-related disorders. Identifiers: MedGen C5924204, MONDO:7770004.
Cystic fibrosis diagnostic test.
Congenital bilateral aplasia of vas deferens from CFTR mutation (CBAVD). Identifiers: Orphanet 48, MedGen C0403814, MONDO:0010178, OMIM 277180. Disease mechanism: loss of function.
Cystic fibrosis (CF). Also called: MUCOVISCIDOSIS. Identifiers: Orphanet 586, MedGen C0010674, MONDO:0009061, OMIM 219700. Disease mechanism: loss of function.
Bronchiectasis with or without elevated sweat chloride 1 (BESC1). Also called: Cystic Fibrosis-Like Syndrome. Identifiers: Orphanet 60033, MedGen C2749757, MONDO:0008887, OMIM 211400.

Allele frequency attached by ClinVar (database versions not stated): gnomAD below 0.00001 and 0.00001; TOPMed below 0.00001; gnomAD exomes 0.00002 and 0.00003; ExAC 0.00005.
gnomAD v4.1: 30 of 1,595,018 alleles (0.0019%); highest among the groups gnomAD compares: South Asian, 0.033%; no homozygotes.

Submissions 1 to 13 of 20:

CFTR2
Classification: Pathogenic for Cystic fibrosis. Last evaluated: 2017-03-17. Review status: reviewed by expert panel. Criteria: Sosnay PR et al. (Nat Genet 2013). Collection method: research. Allele origin: germline. Affected: yes. Study: CFTR2.

Institute of Human Genetics, University of Leipzig Medical Center
Classification: Pathogenic for Cystic fibrosis. Last evaluated: 2026-08-20. Review status: criteria provided, single submitter. Criteria: ACMG Guidelines, 2015. Collection method: clinical testing. Allele origin: unknown. Inheritance: Autosomal recessive inheritance. Affected: yes. Not counted in ClinVar's aggregate classification.
Comment: Criteria applied: PM3_VSTR,PVS1_STR,PM2_SUP, PS1_MOD; Identified as compund heterozygous with NM_000492.4:c.1521_1523del

NHS Central & South Genomic Laboratory Hub
Classification: Pathogenic for Cystic fibrosis diagnostic test. Last evaluated: 2025-10-21. Review status: criteria provided, single submitter. Criteria: ACMG Guidelines, 2015. Collection method: clinical testing. Allele origin: germline. Affected: yes. Not counted in ClinVar's aggregate classification.

Natera, Inc.
Classification: Pathogenic for CFTR-related disorders. Last evaluated: 2025-09-25. Review status: criteria provided, single submitter. Criteria: Natera Variant Classification Schema (03/2026). Collection method: clinical testing. Allele origin: germline. Not counted in ClinVar's aggregate classification.
Comment: The c.1393-1G>A variant in CFTR is a canonical splice acceptor site variant predicted to affect pre-mRNA splicing, which may result in an abnormal transcript and altered protein product. This variant is expected to result in nonsense mediated decay, truncation, or a dysfunctional protein product. This variant is rare in the general population with a frequency below the threshold expected for the associated phenotype(s). This variant has been observed in one or more individuals affected with the associated recessive disease, as either homozygous or compound heterozygous with a second variant (PMID: 9482579). Given the available evidence, this variant is classified as Pathogenic.

Ambry Genetics
Classification: Pathogenic for Cystic fibrosis. Last evaluated: 2025-09-22. Review status: criteria provided, single submitter. Criteria: Ambry Variant Classification Scheme 2023. Collection method: clinical testing. Allele origin: germline. Not counted in ClinVar's aggregate classification.
Comment: The c.1393-1G>A intronic pathogenic mutation (also known as 1525-1G>A) results from a G to A substitution one nucleotide upstream from coding exon 11 of the CFTR gene. Splicing analysis in colonic biopsies from two related Pakistani individuals with CF with c.1393-1G>A and p.F508del demonstrated exon skipping or the use of alternative splice sites due to the intronic alteration. Furthermore, the same study demonstrated that CFTR mediated chloride secretion was absent in the colonic biopsies of the affected individuals (Ramalho AS et al. J. Med. Genet., 2003 Jul;40:e88). This nucleotide position is highly conserved in available vertebrate species. In silico splice site analysis predicts that this alteration will weaken the native splice acceptor site. Alterations that disrupt the canonical splice site are expected to cause aberrant splicing, resulting in an abnormal protein or a transcript that is subject to nonsense-mediated mRNA decay. As such, this alteration is classified as a disease-causing mutation.

Labcorp Genetics (formerly Invitae), Labcorp
Classification: Pathogenic for Cystic fibrosis. Last evaluated: 2025-07-23. Review status: criteria provided, single submitter. Criteria: Invitae Variant Classification Sherloc (09022015). Collection method: clinical testing. Allele origin: germline. Not counted in ClinVar's aggregate classification.
Comment: This sequence change affects an acceptor splice site in intron 10 of the CFTR gene. It is expected to disrupt RNA splicing. Variants that disrupt the donor or acceptor splice site typically lead to a loss of protein function (PMID: 16199547), and loss-of-function variants in CFTR are known to be pathogenic (PMID: 1695717, 7691345, 9725922). This variant is present in population databases (rs397508200, gnomAD 0.03%). Disruption of this splice site has been observed in individual(s) with cystic fibrosis and congenital bilateral absence of the vas deferens (PMID: 7682196, 9239681, 9482579, 15727251, 17662673, 18373402, 18782298, 21198395, 21909392, 23933162, 25688174, 26208274, 26708955). This variant is also known as c.1525-1G>A. ClinVar contains an entry for this variant (Variation ID: 53242). Algorithms developed to predict the effect of sequence changes on RNA splicing suggest that this variant may disrupt the consensus splice site. For these reasons, this variant has been classified as Pathogenic.

Victorian Clinical Genetics Services, Murdoch Childrens Research Institute
Classification: Pathogenic for Cystic fibrosis. Last evaluated: 2025-03-07. Review status: criteria provided, single submitter. Criteria: ACMG Guidelines, 2015. Collection method: clinical testing. Allele origin: germline. Not counted in ClinVar's aggregate classification.
Comment: This variant is classified as Pathogenic. Evidence in support of pathogenic classification: Splice site variant proven to affect splicing of the transcript with a known effect on protein sequence. Analysis of CFTR mRNA from patient colonic epithelium by RT-PCR and automatic sequencing shows this variant results in exon 10 skipping and cryptic splice acceptor activation in exon 11 (PMID: 12843337); Variant is present in gnomAD <0.01 for a recessive condition (v4: 30 heterozygote(s), 0 homozygote(s)); This variant has strong previous evidence of pathogenicity in unrelated individuals. This variant has been classified as pathogenic for cystic fibrosis by the CFTR2 expert panel in ClinVar. Additional information: This variant is heterozygous; This gene is associated with autosomal recessive disease; Loss of function is a known mechanism of disease in this gene and is associated with cystic fibrosis (MIM#219700).

Baylor Genetics
Classification: Pathogenic for Bronchiectasis with or without elevated sweat chloride 1. Last evaluated: 2023-12-24. Review status: criteria provided, single submitter. Criteria: ACMG Guidelines, 2015. Collection method: clinical testing. Allele origin: unknown. Not counted in ClinVar's aggregate classification.

Neuberg Centre For Genomic Medicine, NCGM
Classification: Pathogenic for Cystic fibrosis. Last evaluated: 2023-07-22. Review status: criteria provided, single submitter. Criteria: ACMG Guidelines, 2015. Collection method: clinical testing. Allele origin: germline. Inheritance: Autosomal recessive inheritance. Affected: yes. Not counted in ClinVar's aggregate classification.
Comment: The observed splice acceptor c.1393-1G>A variant in CFTR gene has been reported previously in multiple individuals affected with CFTR-related disorders Schrijver I, et al., 2016; Essawi O, et al., 2015; Siryani I, et al., 2015. This variant has been observed to segregate with disease in related individuals. The c.1393-1G>A variant is present with allele frequency of 0.003% in gnomAD Exomes. This variant has been submitted to the ClinVar database as Pathogenic multiple submissions. SpliceAI predicts this variant to cause splice acceptor loss 1.00. Loss of function variants have been previously reported to be disease causing. For these reasons, this variant has been classified as Pathogenic.

Blueprint Genetics
Classification: Pathogenic for CFTR-related disorders. Last evaluated: 2023-01-17. Review status: criteria provided, single submitter. Criteria: ACMG Guidelines, 2015. Collection method: clinical testing. Allele origin: germline. Affected: yes. Observed: 2 variant alleles. Not counted in ClinVar's aggregate classification.

Genetics and Genomic Medicine Centre, NeuroGen Healthcare, NeuroGen Healthcare
Classification: Pathogenic for Congenital bilateral aplasia of vas deferens from CFTR mutation. Last evaluated: 2021-03-25. Review status: criteria provided, single submitter. Criteria: Submitter's publication. Collection method: clinical testing. Allele origin: unknown. Affected: no. Not counted in ClinVar's aggregate classification.

CFTR-France
Classification: Pathogenic for cystic fibrosis. Last evaluated: 2018-01-29. Review status: criteria provided, single submitter. Criteria: Claustres M et al. (Hum Mutat 2017). Collection method: curation. Allele origin: germline. Affected: yes. Not counted in ClinVar's aggregate classification.

Quest Diagnostics Nichols Institute San Juan Capistrano
Classification: Pathogenic. Last evaluated: 2017-04-08. Review status: criteria provided, single submitter. Criteria: Quest Diagnostics criteria. Collection method: clinical testing. Allele origin: germline. Not counted in ClinVar's aggregate classification.